The following is an entry in ClinVar:

ClinVar aggregate classification (germline): Uncertain significance. Review status: criteria provided, multiple submitters, no conflicts (2 of 4 stars). 4 submissions from 4 submitters: Uncertain significance (4). Last evaluated 2022-09-01.

Conditions:
Emery-Dreifuss muscular dystrophy 4, autosomal dominant (EDMD4). Also called: EMERY-DREIFUSS MUSCULAR DYSTROPHY 4 WITH VARIABLE FEATURES. Identifiers: Orphanet 261, MedGen C2751807, MONDO:0013071, OMIM 612998.
Autosomal recessive ataxia, Beauce type. Also called: SYNE1-Related Autosomal Recessive Cerebellar Ataxia; Spinocerebellar ataxia, autosomal recessive 8; ATAXIA, RECESSIVE, OF BEAUCE; SYNE1 Deficiency. Identifiers: Orphanet 88644, MedGen C1853116, MONDO:0012549, OMIM 610743.

Allele frequency attached by ClinVar (database versions not stated): gnomAD 0.00003; TOPMed 0.00003; gnomAD exomes 0.00005 and 0.00009; ExAC 0.00006; 1000 Genomes Project 0.00020; 1000 Genomes Project 30x 0.00047.
gnomAD v4.1: 75 of 1,614,052 alleles (0.0046%); highest among the groups gnomAD compares: Middle Eastern, 0.05%; no homozygotes.

Submissions (4):

Labcorp Genetics (formerly Invitae), Labcorp
Classification: Uncertain significance for Emery-Dreifuss muscular dystrophy 4, autosomal dominant; Autosomal recessive ataxia, Beauce type. Last evaluated: 2022-09-01. Review status: criteria provided, single submitter. Criteria: Invitae Variant Classification Sherloc (09022015). Collection method: clinical testing. Allele origin: germline.
Comment: This sequence change replaces aspartic acid, which is acidic and polar, with glutamic acid, which is acidic and polar, at codon 6992 of the SYNE1 protein (p.Asp6992Glu). This variant is present in population databases (rs139062689, gnomAD 0.06%). This variant has not been reported in the literature in individuals affected with SYNE1-related conditions. ClinVar contains an entry for this variant (Variation ID: 498185). Algorithms developed to predict the effect of missense changes on protein structure and function are either unavailable or do not agree on the potential impact of this missense change (SIFT: "Deleterious"; PolyPhen-2: "Benign"; Align-GVGD: "Class C35"). In summary, the available evidence is currently insufficient to determine the role of this variant in disease. Therefore, it has been classified as a Variant of Uncertain Significance.

Revvity Omics, Revvity
Classification: Uncertain significance. Last evaluated: 2021-06-23. Review status: criteria provided, single submitter. Criteria: ACMG Guidelines, 2015. Collection method: clinical testing. Allele origin: germline.

Kariminejad - Najmabadi Pathology & Genetics Center
Classification: Uncertain significance. Last evaluated: 2018-06-20. Review status: criteria provided, single submitter. Criteria: ACMG Guidelines, 2015. Collection method: clinical testing. Allele origin: germline. Inheritance: Autosomal recessive inheritance. Affected: yes.
Comment: PM2 BP1

Eurofins Ntd Llc (ga)
Classification: Uncertain significance. Last evaluated: 2016-11-06. Review status: criteria provided, single submitter. Criteria: EGL Classification Definitions 2015. Collection method: clinical testing. Allele origin: germline. Observed: 1 variant allele, 1 heterozygote.

NM_182961.4(SYNE1):c.21189C>G (p.Asp7063Glu)

Gene: SYNE1 (spectrin repeat containing nuclear envelope protein 1; minus strand). Cytogenetic location: 6q25.2.
Variant type: single nucleotide variant.
Coding change: c.21189C>G on transcript NM_182961.4 (MANE Select); coding-DNA position 21189, C replaced by G.
Protein change: p.Asp7063Glu; replaces aspartic acid 7063 with glutamic acid.
Molecular consequence: missense variant.
Genome position (GRCh38, 1-based): chr6:152,230,553, G>C on the plus strand (C>G on the coding strand, the complement: SYNE1 is on the minus strand). VCF-style: chr6-152230553-G-C. GRCh37 (hg19) VCF-style: chr6-152551688-G-C.
Other names: c.20976C>G, p.Asp6992Glu (NM_033071.5); short protein forms D6992E, D7063E.
Identifiers: ClinVar variation 498185 (VCV000498185.14), dbSNP rs139062689, ClinGen allele CA4054240.